The following is an entry in ClinVar:

NM_001933.5(DLST):c.973C>T (p.Arg325Trp)

Gene: DLST (dihydrolipoamide S-succinyltransferase; plus strand). Cytogenetic location: 14q24.3.
Variant type: single nucleotide variant.
Coding change: c.973C>T on transcript NM_001933.5 (MANE Select); coding-DNA position 973, C replaced by T.
Protein change: p.Arg325Trp; replaces arginine 325 with tryptophan.
Molecular consequence: missense variant. On other transcripts: non-coding transcript variant (2).
Genome position (GRCh38, 1-based): chr14:74,899,994, C>T. VCF-style: chr14-74899994-C-T. GRCh37 (hg19) VCF-style: chr14-75366697-C-T.
Other names: short protein forms R325W.
Identifiers: ClinVar variation 3671811 (VCV003671811.2).

ClinVar aggregate classification (germline): Uncertain significance (1 of 4 stars; one submission).

gnomAD v4.1: 31 of 1,612,562 alleles (0.0019%); highest among the groups gnomAD compares: South Asian, 0.0088%; no homozygotes.

Submission:

Labcorp Genetics (formerly Invitae), Labcorp
Classification: Uncertain significance. Last evaluated: 2025-09-03. Review status: criteria provided, single submitter. Criteria: Invitae Variant Classification Sherloc (09022015). Collection method: clinical testing. Allele origin: germline.
Comment: This sequence change replaces arginine, which is basic and polar, with tryptophan, which is neutral and slightly polar, at codon 325 of the DLST protein (p.Arg325Trp). This variant is present in population databases (no rsID available, gnomAD 0.01%). This missense change has been observed in individual(s) with paraganglioma (PMID: 33397043). ClinVar contains an entry for this variant (Variation ID: 3671811). Experimental studies and prediction algorithms are not available or were not evaluated, and the functional significance of this variant is currently unknown. In summary, the available evidence is currently insufficient to determine the role of this variant in disease. Therefore, it has been classified as a Variant of Uncertain Significance.

Literature cited by the submitters: PubMed 33397043.